The following is an entry in ClinVar:

NM_000152.5(GAA):c.682G>A (p.Gly228Ser)

Gene: GAA (alpha glucosidase; plus strand). Cytogenetic location: 17q25.3.
Variant type: single nucleotide variant.
Coding change: c.682G>A on transcript NM_000152.5 (MANE Select); coding-DNA position 682, G replaced by A.
Protein change: p.Gly228Ser; replaces glycine 228 with serine.
Molecular consequence: missense variant.
Genome position (GRCh38, 1-based): chr17:80,105,884, G>A. VCF-style: chr17-80105884-G-A. GRCh37 (hg19) VCF-style: chr17-78079683-G-A.
Other names: c.682G>A (LRG_673t1); c.682G>A, p.Gly228Ser (NM_001079803.3, NM_001079804.3); short protein forms G228S.
Identifiers: ClinVar variation 456427 (VCV000456427.11), dbSNP rs747150907, ClinGen allele CA8814961.
Genomic context (GRCh38, chr17:80,105,884, plus strand): 5'-CTCTACAGCGTGGAGTTCTCCGAGGAGCCCTTCGGGGTGATCGTGCGCCGGCAGCTGGAC[G>A]GCCGCGTGCTGTGAGTTCTGGGCTCTGTGCCAGCATGATGGGGAGGGCGACGCGCATTTC-3'
Protein context (NP_000143.2, residues 218-238): FGVIVRRQLD[Gly228Ser]RVLLNTTVAP

ClinVar aggregate classification (germline): Uncertain significance. Review status: criteria provided, single submitter (1 of 4 stars). 2 submissions from 2 submitters: Uncertain significance (1). 1 of the submissions does not count toward it. Last evaluated 2021-09-02.

Conditions:
Glycogen storage disease, type II (IOPD). Also called: Glucosidase acid-1,4-alpha deficiency; Pompe Disease; POMPE DISEASE, INFANTILE-ONSET; GLYCOGEN STORAGE DISEASE II, INFANTILE-ONSET; ACID ALPHA-GLUCOSIDASE DEFICIENCY, INFANTILE-ONSET; GAA DEFICIENCY, INFANTILE-ONSET. Identifiers: Orphanet 365, MedGen C0017921, MONDO:0009290, OMIM 232300.

Allele frequency attached by ClinVar (database versions not stated): ExAC 0.00001; gnomAD exomes 0.00002; gnomAD 0.00009; TOPMed 0.00010.

Submissions (2):

Labcorp Genetics (formerly Invitae), Labcorp
Classification: Uncertain significance for Glycogen storage disease, type II. Last evaluated: 2021-09-02. Review status: criteria provided, single submitter. Criteria: Invitae Variant Classification Sherloc (09022015). Collection method: clinical testing. Allele origin: germline.
Comment: This sequence change replaces glycine with serine at codon 228 of the GAA protein (p.Gly228Ser). The glycine residue is highly conserved and there is a small physicochemical difference between glycine and serine. This variant is present in population databases (rs747150907, ExAC 0.01%). This variant has not been reported in the literature in individuals affected with GAA-related conditions. Algorithms developed to predict the effect of missense changes on protein structure and function are either unavailable or do not agree on the potential impact of this missense change (SIFT: "Deleterious"; PolyPhen-2: "Possibly Damaging"; Align-GVGD: "Class C0"). In summary, the available evidence is currently insufficient to determine the role of this variant in disease. Therefore, it has been classified as a Variant of Uncertain Significance.

Natera, Inc.
Classification: Uncertain significance for Glycogen storage disease type II. Last evaluated: 2019-10-28. Review status: no assertion criteria provided. Collection method: clinical testing. Allele origin: germline. Not counted in ClinVar's aggregate classification.